The following is an entry in ClinVar:

NM_000321.3(RB1):c.740A>G (p.Asn247Ser)

Gene: RB1 (RB transcriptional corepressor 1; plus strand). Cytogenetic location: 13q14.2.
Variant type: single nucleotide variant.
Coding change: c.740A>G on transcript NM_000321.3 (MANE Select); coding-DNA position 740, A replaced by G.
Protein change: p.Asn247Ser; replaces asparagine 247 with serine.
Molecular consequence: missense variant.
Genome position (GRCh38, 1-based): chr13:48,362,836, A>G. VCF-style: chr13-48362836-A-G. GRCh37 (hg19) VCF-style: chr13-48936972-A-G.
Other names: c.740A>G, p.Asn247Ser (NM_001407165.1, NM_001407166.1); short protein forms N247S.
Identifiers: ClinVar variation 2703123 (VCV002703123.4), dbSNP rs2138112198, ClinGen allele CA388159284.

ClinVar aggregate classification (germline): Uncertain significance. Review status: criteria provided, multiple submitters, no conflicts (2 of 4 stars). 2 submissions from 2 submitters: Uncertain significance (2). Last evaluated 2023-12-14.

Conditions:
Hereditary cancer-predisposing syndrome. Also called: Hereditary neoplastic syndrome; Neoplastic Syndromes, Hereditary; Hereditary Cancer Syndrome; Tumor predisposition. Identifiers: Orphanet 140162, MedGen C0027672, MeSH D009386, MONDO:0015356.
Retinoblastoma (RB1). Also called: RETINOBLASTOMA, SOMATIC. Identifiers: Orphanet 790, MedGen C0035335, MeSH D012175, MONDO:0008380, OMIM 180200, HP:0009919. Disease mechanism: loss of function. Inheritance: Both sporadic and heritable forms are tested..

Submissions (2):

Labcorp Genetics (formerly Invitae), Labcorp
Classification: Uncertain significance for Retinoblastoma. Last evaluated: 2023-12-14. Review status: criteria provided, single submitter. Criteria: Invitae Variant Classification Sherloc (09022015). Collection method: clinical testing. Allele origin: germline.
Comment: This sequence change replaces asparagine, which is neutral and polar, with serine, which is neutral and polar, at codon 247 of the RB1 protein (p.Asn247Ser). This variant is not present in population databases (gnomAD no frequency). This variant has not been reported in the literature in individuals affected with RB1-related conditions. Advanced modeling of protein sequence and biophysical properties (such as structural, functional, and spatial information, amino acid conservation, physicochemical variation, residue mobility, and thermodynamic stability) performed at Invitae indicates that this missense variant is not expected to disrupt RB1 protein function with a negative predictive value of 80%. In summary, the available evidence is currently insufficient to determine the role of this variant in disease. Therefore, it has been classified as a Variant of Uncertain Significance.

Ambry Genetics
Classification: Uncertain significance for Hereditary cancer-predisposing syndrome. Last evaluated: 2023-10-27. Review status: criteria provided, single submitter. Criteria: Ambry Variant Classification Scheme 2023. Collection method: clinical testing. Allele origin: germline.
Comment: The p.N247S variant (also known as c.740A>G), located in coding exon 8 of the RB1 gene, results from an A to G substitution at nucleotide position 740. The asparagine at codon 247 is replaced by serine, an amino acid with highly similar properties. This amino acid position is highly conserved in available vertebrate species. In addition, this alteration is predicted to be tolerated by in silico analysis. Since supporting evidence is limited at this time, the clinical significance of this alteration remains unclear.